The following is an entry in ClinVar:

NM_006269.2(RP1):c.289G>A (p.Glu97Lys)

Gene: RP1 (RP1 axonemal microtubule associated; plus strand). Cytogenetic location: 8q12.1.
Variant type: single nucleotide variant.
Coding change: c.289G>A on transcript NM_006269.2 (MANE Select); coding-DNA position 289, G replaced by A.
Protein change: p.Glu97Lys; replaces glutamic acid 97 with lysine.
Molecular consequence: missense variant.
Genome position (GRCh38, 1-based): chr8:54,621,255, G>A. VCF-style: chr8-54621255-G-A. GRCh37 (hg19) VCF-style: chr8-55533815-G-A.
Other names: c.289G>A, p.Glu97Lys (NM_001375654.1); short protein forms E97K.
Identifiers: ClinVar variation 2985876 (VCV002985876.3), dbSNP rs1259843974, ClinGen allele CA370986174.

ClinVar aggregate classification (germline): Uncertain significance (1 of 4 stars; one submission).

gnomAD v4.1: 2 of 1,614,144 alleles (0.00012%); highest among the groups gnomAD compares: Non-Finnish European, 0.00017%; no homozygotes.

Submission:

Labcorp Genetics (formerly Invitae), Labcorp
Classification: Uncertain significance. Last evaluated: 2024-03-01. Review status: criteria provided, single submitter. Criteria: Invitae Variant Classification Sherloc (09022015). Collection method: clinical testing. Allele origin: germline.
Comment: This sequence change replaces glutamic acid, which is acidic and polar, with lysine, which is basic and polar, at codon 97 of the RP1 protein (p.Glu97Lys). This variant is not present in population databases (gnomAD no frequency). This variant has not been reported in the literature in individuals affected with RP1-related conditions. An algorithm developed to predict the effect of missense changes on protein structure and function (PolyPhen-2) suggests that this variant is likely to be disruptive. In summary, the available evidence is currently insufficient to determine the role of this variant in disease. Therefore, it has been classified as a Variant of Uncertain Significance.